The following is an entry in ClinVar:

ClinVar aggregate classification (germline): Uncertain significance (1 of 4 stars; one submission).

Conditions:
Glycogen storage disease XV (GSD15). Also called: GLYCOGENIN DEFICIENCY; GSD XV. Identifiers: Orphanet 263297, MedGen C3150754, MONDO:0013291, OMIM 613507.
Polyglucosan body myopathy type 2. Identifiers: Orphanet 456369, MedGen C4015452, MONDO:0014526, OMIM 616199.

Submission:

Labcorp Genetics (formerly Invitae), Labcorp
Classification: Uncertain significance for Polyglucosan body myopathy type 2; Glycogen storage disease XV. Last evaluated: 2022-03-14. Review status: criteria provided, single submitter. Criteria: Invitae Variant Classification Sherloc (09022015). Collection method: clinical testing. Allele origin: germline.
Comment: In summary, the available evidence is currently insufficient to determine the role of this variant in disease. Therefore, it has been classified as a Variant of Uncertain Significance. Algorithms developed to predict the effect of missense changes on protein structure and function (SIFT, PolyPhen-2, Align-GVGD) all suggest that this variant is likely to be tolerated. This variant has not been reported in the literature in individuals affected with GYG1-related conditions. This variant is not present in population databases (gnomAD no frequency). This sequence change replaces threonine, which is neutral and polar, with arginine, which is basic and polar, at codon 2 of the GYG1 protein (p.Thr2Arg).

NM_004130.4(GYG1):c.5C>G (p.Thr2Arg)

Genes: GYG1 (glycogenin 1; plus strand), LOC129937737 (ATAC-STARR-seq lymphoblastoid silent region 14802; plus strand). Cytogenetic location: 3q24.
Variant type: single nucleotide variant.
Coding change: c.5C>G on transcript NM_004130.4 (MANE Select); coding-DNA position 5, C replaced by G.
Protein change: p.Thr2Arg; replaces threonine 2 with arginine.
Molecular consequence: missense variant.
Genome position (GRCh38, 1-based): chr3:148,991,645, C>G. VCF-style: chr3-148991645-C-G. GRCh37 (hg19) VCF-style: chr3-148709432-C-G.
Other names: c.5C>G, p.Thr2Arg (NM_001184720.2, NM_001184721.2); short protein forms T2R.
Identifiers: ClinVar variation 1941274 (VCV001941274.5), dbSNP rs1470497667, ClinGen allele CA354909163.